The following is an entry in ClinVar:

ClinVar aggregate classification (germline): Pathogenic (1 of 4 stars; one submission).

Submission:

Labcorp Genetics (formerly Invitae), Labcorp
Classification: Pathogenic. Last evaluated: 2022-01-08. Review status: criteria provided, single submitter. Criteria: Invitae Variant Classification Sherloc (09022015). Collection method: clinical testing. Allele origin: germline.
Comment: For these reasons, this variant has been classified as Pathogenic. This variant has not been reported in the literature in individuals affected with COL4A2-related conditions. This variant is not present in population databases (gnomAD no frequency). This sequence change creates a premature translational stop signal (p.Val267Serfs*20) in the COL4A2 gene. It is expected to result in an absent or disrupted protein product. Loss-of-function variants in COL4A2 are known to be pathogenic (PMID: 22333902, 30315939).

Literature cited by the submitters: PubMed 22333902; PubMed 30315939.

NM_001846.4(COL4A2):c.799del (p.Val267fs)

Gene: COL4A2 (collagen type IV alpha 2 chain; plus strand). Cytogenetic location: 13q34.
Variant type: Deletion.
Coding change: c.799del on transcript NM_001846.4 (MANE Select); coding-DNA position 799, one base deleted (G; older notation c.799delG).
Protein change: p.Val267fs; shifts the reading frame from valine 267.
Molecular consequence: frameshift variant.
Genome position (GRCh38, 1-based): chr13:110,436,341, G deleted. VCF-style (leftmost placement, unchanged base first): chr13-110436340-AG-A. GRCh37 (hg19) VCF-style: chr13-111088687-AG-A.
Other names: short protein forms V267fs.
Identifiers: ClinVar variation 2185412 (VCV002185412.4), dbSNP rs1880871690, ClinGen allele CA2118861642.